The following is an entry in ClinVar:

NM_001923.5(DDB1):c.2662-8C>A

Gene: DDB1 (damage specific DNA binding protein 1; minus strand). Cytogenetic location: 11q12.2.
Variant type: single nucleotide variant.
Coding change: c.2662-8C>A on transcript NM_001923.5 (MANE Select); 8 bases into the intron before coding-DNA position 2662, C replaced by A.
Molecular consequence: intron variant.
Genome position (GRCh38, 1-based): chr11:61,304,043, G>T on the plus strand (C>A on the coding strand, the complement: DDB1 is on the minus strand). VCF-style: chr11-61304043-G-T. GRCh37 (hg19) VCF-style: chr11-61071515-G-T.
Identifiers: ClinVar variation 3251774 (VCV003251774.1), dbSNP rs1156756276.

ClinVar aggregate classification (germline): Uncertain significance (1 of 4 stars; one submission).

Allele frequency attached by ClinVar (database versions not stated): gnomAD exomes below 0.00001.
gnomAD v4.1: 4 of 1,613,590 alleles (0.00025%); highest among the groups gnomAD compares: Non-Finnish European, 0.00034%; no homozygotes.

Submission:

Women's Health and Genetics/Laboratory Corporation of America, LabCorp
Classification: Uncertain significance. Last evaluated: 2024-04-23. Review status: criteria provided, single submitter. Criteria: LabCorp Variant Classification Summary - May 2015. Collection method: clinical testing. Allele origin: germline.
Comment: Variant summary: DDB1 c.2662-8C>A alters a non-conserved nucleotide located close to a canonical splice site and therefore could affect mRNA splicing, leading to a significantly altered protein sequence. Several computational tools predict a significant impact on normal splicing: Two predict the variant weakens a canonical 3' acceptor site. One predicts the variant abolishes a canonical 3' acceptor site. However, these predictions have yet to be confirmed by functional studies. The variant allele was found at a frequency of 2.7e-06 in 1461316 control chromosomes. The available data on variant occurrences in the general population are insufficient to allow any conclusion about variant significance. To our knowledge, no occurrence of c.2662-8C>A in individuals affected with White-Kernohan Syndrome and no experimental evidence demonstrating its impact on protein function have been reported. No submitters have cited clinical-significance assessments for this variant to ClinVar. Based on the evidence outlined above, the variant was classified as uncertain significance.